The following is an entry in ClinVar:

ClinVar aggregate classification (germline): Benign/Likely benign. Review status: criteria provided, multiple submitters, no conflicts (2 of 4 stars). 2 submissions from 2 submitters: Benign (1); Likely benign (1). Last evaluated 2025-02-06.

Conditions:
POLD1-related polyposis and colorectal cancer syndrome (CRCS10). Also called: Colorectal cancer 10; COLORECTAL CANCER, SUSCEPTIBILITY TO, ON CHROMOSOME 19q; Colorectal cancer, susceptibility to, 10. Identifiers: Orphanet 220460, MedGen C2675481, MONDO:0012953, OMIM 612591.

Submissions (2):

Myriad Genetics, Inc.
Classification: Benign for POLD1-related polyposis and colorectal cancer syndrome. Last evaluated: 2025-02-06. Review status: criteria provided, single submitter. Criteria: Myriad Autosomal Dominant, Autosomal Recessive and X-Linked Classification Criteria (2023). Collection method: clinical testing. Allele origin: unknown.
Comment: This variant is considered benign. This variant is a silent/synonymous amino acid change and it is not expected to impact splicing.

Labcorp Genetics (formerly Invitae), Labcorp
Classification: Likely benign for POLD1-related polyposis and colorectal cancer syndrome. Last evaluated: 2021-12-08. Review status: criteria provided, single submitter. Criteria: Invitae Variant Classification Sherloc (09022015). Collection method: clinical testing. Allele origin: germline.

NM_002691.4(POLD1):c.1338C>G (p.Thr446=)

Gene: POLD1 (DNA polymerase delta 1, catalytic subunit; plus strand). Cytogenetic location: 19q13.33.
Variant type: single nucleotide variant.
Coding change: c.1338C>G on transcript NM_002691.4 (MANE Select); coding-DNA position 1338, C replaced by G.
Protein change: p.Thr446=; no amino-acid change (threonine 446 retained).
Molecular consequence: synonymous variant. On other transcripts: non-coding transcript variant (1).
Genome position (GRCh38, 1-based): chr19:50,406,277, C>G. VCF-style: chr19-50406277-C-G. GRCh37 (hg19) VCF-style: chr19-50909534-C-G.
Other names: c.1338C>G, p.Thr446= (NM_001256849.1, NM_001308632.1).
Identifiers: ClinVar variation 537176 (VCV000537176.9), dbSNP rs1057521359, ClinGen allele CA508304749.